The following is an entry in ClinVar:

ClinVar aggregate classification (germline): Benign/Likely benign. Review status: criteria provided, multiple submitters, no conflicts (2 of 4 stars). 5 submissions from 5 submitters: Benign (3); Likely benign (2). Last evaluated 2026-02-01.

Conditions:
Split hand-foot malformation 3. Also called: Buttiens Fryns syndrome; CHROMOSOME 10q24 DUPLICATION SYNDROME; SHSF3. Identifiers: Orphanet 1307, MedGen C1838652, MONDO:0009525, OMIM 246560.

Allele frequency attached by ClinVar (database versions not stated): gnomAD 0.03084 and 0.03136; TOPMed 0.03147; gnomAD exomes 0.03334 and 0.03780; 1000 Genomes Project 30x 0.04044; 1000 Genomes Project 0.04273; ExAC 0.05493.

Submissions (5):

Labcorp Genetics (formerly Invitae), Labcorp
Classification: Likely benign. Last evaluated: 2026-02-01. Review status: criteria provided, single submitter. Criteria: Invitae Variant Classification Sherloc (09022015). Collection method: clinical testing. Allele origin: germline.

GeneDx
Classification: Benign. Last evaluated: 2021-05-04. Review status: criteria provided, single submitter. Criteria: GeneDx Variant Classification Process June 2021. Collection method: clinical testing. Allele origin: germline. Affected: yes.

Illumina Laboratory Services, Illumina
Classification: Benign for Split hand-foot malformation 3. Last evaluated: 2018-01-12. Review status: criteria provided, single submitter. Criteria: ICSL Variant Classification Criteria 13 December 2019. Collection method: clinical testing. Allele origin: germline.
Comment: This variant was observed in the ICSL laboratory as part of a predisposition screen in an ostensibly healthy population. It had not been previously curated by ICSL or reported in the Human Gene Mutation Database (HGMD: prior to June 1st, 2018), and was therefore a candidate for classification through an automated scoring system. Utilizing variant allele frequency, disease prevalence and penetrance estimates, and inheritance mode, an automated score was calculated to assess if this variant is too frequent to cause the disease. Based on the score and internal cut-off values, a variant classified as benign is not then subjected to further curation. The score for this variant resulted in a classification of benign for this disease.

Eurofins Ntd Llc (ga)
Classification: Benign. Last evaluated: 2014-12-09. Review status: criteria provided, single submitter. Criteria: EGL Classification Definitions 2015. Collection method: clinical testing. Allele origin: germline. Observed: 1 variant allele, 1 heterozygote.

Breakthrough Genomics
Classification: Likely benign. Review status: criteria provided, single submitter. Criteria: ACMG Guidelines, 2015. Collection method: not provided. Allele origin: germline. Inheritance: Unknown mechanism. Affected: yes.

NM_022039.4(FBXW4):c.534C>G (p.Ala178=)

Genes: FBXW4 (F-box and WD repeat domain containing 4; minus strand), LOC130004563 (ATAC-STARR-seq lymphoblastoid silent region 2723; plus strand). Cytogenetic location: 10q24.32.
Variant type: single nucleotide variant.
Coding change: c.534C>G on transcript NM_022039.4 (MANE Select); coding-DNA position 534, C replaced by G.
Protein change: p.Ala178=; no amino-acid change (alanine 178 retained).
Molecular consequence: synonymous variant. On other transcripts: non-coding transcript variant (1), intron variant (1).
Genome position (GRCh38, 1-based): chr10:101,694,572, G>C on the plus strand (C>G on the coding strand, the complement: FBXW4 is on the minus strand). VCF-style: chr10-101694572-G-C. GRCh37 (hg19) VCF-style: chr10-103454329-G-C.
Other names: c.-2+668C>G (NM_001323541.2).
Identifiers: ClinVar variation 193447 (VCV000193447.20), dbSNP rs61761937, ClinGen allele CA200585.